The following is an entry in ClinVar:

ClinVar aggregate classification (germline): Pathogenic. Review status: criteria provided, single submitter (1 of 4 stars). 2 submissions from 2 submitters: Pathogenic (1). 1 of the submissions does not count toward it. Last evaluated 2025-07-22.

Conditions:
Anauxetic dysplasia. Identifiers: Orphanet 93347, MedGen C1846796, MONDO:0011773.
Metaphyseal chondrodysplasia, McKusick type (CHH). Also called: Cartilage-hair hypoplasia; Cartilage-Hair Hypoplasia (CHH). Identifiers: Orphanet 175, MedGen C0220748, MONDO:0009595, OMIM 250250.

Submissions (2):

Labcorp Genetics (formerly Invitae), Labcorp
Classification: Pathogenic for Anauxetic dysplasia. Last evaluated: 2025-07-22. Review status: criteria provided, single submitter. Criteria: Invitae Variant Classification Sherloc (09022015). Collection method: clinical testing. Allele origin: germline.
Comment: This variant occurs in the RMRP gene, which encodes an RNA molecule that does not result in a protein product. This variant is not present in population databases (gnomAD no frequency). While this particular variant has not been reported in the literature, it is located in a region where other insertions and duplications have been reported in individuals affected with cartilage-hair hypoplasia-anauxetic dysplasia (CHH-AD) spectrum disorders (PMID: 16244706, 11207361, 12107819). ClinVar contains an entry for this variant (Variation ID: 558181). While functional studies for this variant have not been reported, experimental analyses using patient derived cells, as well as in vitro transfection studies, have shown that promoter insertions result in silencing of RMRP transcription and reduced expression of the gene product (PMID: 11207361, 16254002). For these reasons, this variant has been classified as Pathogenic.

Counsyl
Classification: Likely pathogenic for Metaphyseal chondrodysplasia, McKusick type. Last evaluated: 2018-05-03. Review status: no assertion criteria provided. Collection method: clinical testing. Allele origin: unknown. Not counted in ClinVar's aggregate classification.

Literature cited by the submitters: PubMed 16244706 (cited by Labcorp Genetics (formerly Invitae), Labcorp); PubMed 11207361 (cited by Labcorp Genetics (formerly Invitae), Labcorp); PubMed 12107819 (cited by Labcorp Genetics (formerly Invitae), Labcorp); PubMed 16254002 (cited by Labcorp Genetics (formerly Invitae), Labcorp).

NR_003051.3(RMRP):n.1_2ins13

Gene: RMRP (RNA component of mitochondrial RNA processing endoribonuclease; minus strand). Cytogenetic location: 9p13.3.
Variant type: Insertion.
Genome position: GRCh38 VCF-style: chr9-35658017-C-CCACGTTCTCAGCT. GRCh37 (hg19) VCF-style: chr9-35658014-C-CCACGTTCTCAGCT.
Identifiers: ClinVar variation 558181 (VCV000558181.1), dbSNP rs1554651368, ClinGen allele CA915947440.